The following is an entry in ClinVar:

NM_002863.5(PYGL):c.1598G>A (p.Arg533Gln)

Gene: PYGL (glycogen phosphorylase L; minus strand). Cytogenetic location: 14q22.1.
Variant type: single nucleotide variant.
Coding change: c.1598G>A on transcript NM_002863.5 (MANE Select); coding-DNA position 1598, G replaced by A.
Protein change: p.Arg533Gln; replaces arginine 533 with glutamine.
Molecular consequence: missense variant.
Genome position (GRCh38, 1-based): chr14:50,913,051, C>T on the plus strand (G>A on the coding strand, the complement: PYGL is on the minus strand). VCF-style: chr14-50913051-C-T. GRCh37 (hg19) VCF-style: chr14-51379769-C-T.
Other names: c.1496G>A, p.Arg499Gln (NM_001163940.2); c.1598G>A (NM_002863.4); short protein forms R499Q, R533Q.
Identifiers: ClinVar variation 1510583 (VCV001510583.6), dbSNP rs778002035, ClinGen allele CA7183423.

ClinVar aggregate classification (germline): Uncertain significance. Review status: criteria provided, multiple submitters, no conflicts (2 of 4 stars). 2 submissions from 2 submitters: Uncertain significance (2). Last evaluated 2024-11-04.

Conditions:
Glycogen storage disease, type VI (GSD6). Also called: Glycogen storage disease type 6; Hepatic glycogen phosphorylase deficiency; Glycogen storage disease type 6, due to phosphorylation; GSD VI; HERS DISEASE; PHOSPHORYLASE DEFICIENCY GLYCOGEN-STORAGE DISEASE OF LIVER. Identifiers: Orphanet 369, MedGen C0017925, MONDO:0009294, OMIM 232700.

Allele frequency attached by ClinVar (database versions not stated): gnomAD 0.00003 and 0.00005; TOPMed 0.00004.
gnomAD v4.1: 94 of 1,613,808 alleles (0.0058%); highest among the groups gnomAD compares: South Asian, 0.083%; no homozygotes.

Submissions (2):

GeneDx
Classification: Uncertain significance. Last evaluated: 2024-11-04. Review status: criteria provided, single submitter. Criteria: GeneDx Variant Classification Process June 2021. Collection method: clinical testing. Allele origin: germline. Affected: yes.
Comment: In silico analysis indicates that this missense variant does not alter protein structure/function; Has not been previously published as pathogenic or benign to our knowledge

Labcorp Genetics (formerly Invitae), Labcorp
Classification: Uncertain significance for Glycogen storage disease, type VI. Last evaluated: 2021-09-01. Review status: criteria provided, single submitter. Criteria: Invitae Variant Classification Sherloc (09022015). Collection method: clinical testing. Allele origin: germline.
Comment: This sequence change replaces arginine with glutamine at codon 533 of the PYGL protein (p.Arg533Gln). The arginine residue is highly conserved and there is a small physicochemical difference between arginine and glutamine. This variant is present in population databases (rs778002035, ExAC 0.06%). This variant has not been reported in the literature in individuals affected with PYGL-related conditions. Algorithms developed to predict the effect of missense changes on protein structure and function are either unavailable or do not agree on the potential impact of this missense change (SIFT: "Tolerated"; PolyPhen-2: "Possibly Damaging"; Align-GVGD: "Class C0"). Algorithms developed to predict the effect of sequence changes on RNA splicing suggest that this variant may create or strengthen a splice site. In summary, the available evidence is currently insufficient to determine the role of this variant in disease. Therefore, it has been classified as a Variant of Uncertain Significance.